The following is an entry in ClinVar:

ClinVar aggregate classification (germline): Pathogenic (1 of 4 stars; one submission).

Submission:

Labcorp Genetics (formerly Invitae), Labcorp
Classification: Pathogenic. Last evaluated: 2025-04-08. Review status: criteria provided, single submitter. Criteria: Invitae Variant Classification Sherloc (09022015). Collection method: clinical testing. Allele origin: germline.
Comment: This sequence change creates a premature translational stop signal (p.Arg505*) in the RFX6 gene. It is expected to result in an absent or disrupted protein product. Loss-of-function variants in RFX6 are known to be pathogenic (PMID: 20148032). This variant is present in population databases (rs764315657, gnomAD 0.002%). This variant has not been reported in the literature in individuals affected with RFX6-related conditions. Algorithms developed to predict the effect of sequence changes on RNA splicing suggest that this variant may disrupt the consensus splice site. For these reasons, this variant has been classified as Pathogenic.

Literature cited by the submitters: PubMed 20148032.

NM_173560.4(RFX6):c.1513C>T (p.Arg505Ter)

Gene: RFX6 (regulatory factor X6; plus strand). Cytogenetic location: 6q22.1.
Variant type: single nucleotide variant.
Coding change: c.1513C>T on transcript NM_173560.4 (MANE Select); coding-DNA position 1513, C replaced by T.
Protein change: p.Arg505Ter; replaces arginine 505 with a stop codon.
Molecular consequence: nonsense.
Genome position (GRCh38, 1-based): chr6:116,923,182, C>T. VCF-style: chr6-116923182-C-T. GRCh37 (hg19) VCF-style: chr6-117244345-C-T.
Other names: short protein forms R505*.
Identifiers: ClinVar variation 4704182 (VCV004704182.1).